The following is an entry in ClinVar:

ClinVar aggregate classification (germline): Uncertain significance (1 of 4 stars; one submission).

Conditions:
Peroxisome biogenesis disorder 11A (Zellweger). Also called: Peroxisome biogenesis disorder 11A. Identifiers: Orphanet 912, MedGen C3554000, MONDO:0013949, OMIM 614883.

Allele frequency attached by ClinVar (database versions not stated): gnomAD 0.00002; gnomAD exomes 0.00003 and 0.00001; ExAC 0.00001; TOPMed 0.00001.
gnomAD v4.1: 49 of 1,613,908 alleles (0.003%); highest among the groups gnomAD compares: Non-Finnish European, 0.0039%; no homozygotes.

Submission:

Labcorp Genetics (formerly Invitae), Labcorp
Classification: Uncertain significance for Peroxisome biogenesis disorder 11A (Zellweger). Last evaluated: 2024-10-16. Review status: criteria provided, single submitter. Criteria: Invitae Variant Classification Sherloc (09022015). Collection method: clinical testing. Allele origin: germline.
Comment: This sequence change replaces threonine, which is neutral and polar, with alanine, which is neutral and non-polar, at codon 365 of the PEX13 protein (p.Thr365Ala). This variant is present in population databases (rs753444647, gnomAD 0.003%). This variant has not been reported in the literature in individuals affected with PEX13-related conditions. ClinVar contains an entry for this variant (Variation ID: 834375). An algorithm developed to predict the effect of missense changes on protein structure and function (PolyPhen-2) suggests that this variant¬†is likely to be tolerated. In summary, the available evidence is currently insufficient to determine the role of this variant in disease. Therefore, it has been classified as a Variant of Uncertain Significance.

NM_002618.4(PEX13):c.1093A>G (p.Thr365Ala)

Gene: PEX13 (peroxisomal biogenesis factor 13; plus strand). Cytogenetic location: 2p15.
Variant type: single nucleotide variant.
Coding change: c.1093A>G on transcript NM_002618.4 (MANE Select); coding-DNA position 1093, A replaced by G.
Protein change: p.Thr365Ala; replaces threonine 365 with alanine.
Molecular consequence: missense variant.
Genome position (GRCh38, 1-based): chr2:61,048,651, A>G. VCF-style: chr2-61048651-A-G. GRCh37 (hg19) VCF-style: chr2-61275786-A-G.
Other names: short protein forms T365A.
Identifiers: ClinVar variation 834375 (VCV000834375.8), dbSNP rs753444647, ClinGen allele CA1673432.